The following is an entry in ClinVar:

ClinVar aggregate classification (germline): Uncertain significance (1 of 4 stars; one submission).

Submission:

GeneDx
Classification: Uncertain significance. Last evaluated: 2024-02-07. Review status: criteria provided, single submitter. Criteria: GeneDx Variant Classification Process June 2021. Collection method: clinical testing. Allele origin: germline. Affected: yes.
Comment: Not observed at significant frequency in large population cohorts (gnomAD); In silico analysis supports that this missense variant does not alter protein structure/function; Has not been previously published as pathogenic or benign to our knowledge

NM_001197104.2(KMT2A):c.2015C>A (p.Thr672Asn)

Gene: KMT2A (lysine methyltransferase 2A; plus strand). Cytogenetic location: 11q23.3.
Variant type: single nucleotide variant.
Coding change: c.2015C>A on transcript NM_001197104.2 (MANE Select); coding-DNA position 2015, C replaced by A.
Protein change: p.Thr672Asn; replaces threonine 672 with asparagine.
Molecular consequence: missense variant.
Genome position (GRCh38, 1-based): chr11:118,473,174, C>A. VCF-style: chr11-118473174-C-A. GRCh37 (hg19) VCF-style: chr11-118343889-C-A.
Other names: c.2114C>A, p.Thr705Asn (NM_001412597.1); c.2015C>A, p.Thr672Asn (NM_005933.4); short protein forms T672N, T705N.
Identifiers: ClinVar variation 3368590 (VCV003368590.1).